The following is an entry in ClinVar:

ClinVar aggregate classification (germline): Uncertain significance (1 of 4 stars; one submission).

Conditions:
de Barsy syndrome. Also called: Cutis laxa-corneal clouding-oligophrenia syndrome. Identifiers: Orphanet 2962, MedGen C0268354, MONDO:0017569.
Autosomal dominant spastic paraplegia type 9. Identifiers: MedGen C1832669, MONDO:0015091.
Cutis laxa, autosomal dominant 3 (ADCL3). Identifiers: Orphanet 90348, MedGen C4225268, MONDO:0014706, OMIM 616603.

gnomAD v4.1: 4 of 1,613,858 alleles (0.00025%); highest among the groups gnomAD compares: Non-Finnish European, 0.00034%; no homozygotes.

Submission:

Labcorp Genetics (formerly Invitae), Labcorp
Classification: Uncertain significance for Autosomal dominant spastic paraplegia type 9; de Barsy syndrome; Cutis laxa, autosomal dominant 3. Last evaluated: 2024-08-07. Review status: criteria provided, single submitter. Criteria: Invitae Variant Classification Sherloc (09022015). Collection method: clinical testing. Allele origin: germline.
Comment: This sequence change replaces aspartic acid, which is acidic and polar, with glycine, which is neutral and non-polar, at codon 280 of the ALDH18A1 protein (p.Asp280Gly). This variant is present in population databases (no rsID available, gnomAD 0.002%). This variant has not been reported in the literature in individuals affected with ALDH18A1-related conditions. Advanced modeling of protein sequence and biophysical properties (such as structural, functional, and spatial information, amino acid conservation, physicochemical variation, residue mobility, and thermodynamic stability) performed at Invitae indicates that this missense variant is not expected to disrupt ALDH18A1 protein function with a negative predictive value of 95%. In summary, the available evidence is currently insufficient to determine the role of this variant in disease. Therefore, it has been classified as a Variant of Uncertain Significance.

NM_002860.4(ALDH18A1):c.839A>G (p.Asp280Gly)

Gene: ALDH18A1 (aldehyde dehydrogenase 18 family member A1; minus strand). Cytogenetic location: 10q24.1.
Variant type: single nucleotide variant.
Coding change: c.839A>G on transcript NM_002860.4 (MANE Select); coding-DNA position 839, A replaced by G.
Protein change: p.Asp280Gly; replaces aspartic acid 280 with glycine.
Molecular consequence: missense variant.
Genome position (GRCh38, 1-based): chr10:95,628,462, T>C on the plus strand (A>G on the coding strand, the complement: ALDH18A1 is on the minus strand). VCF-style: chr10-95628462-T-C. GRCh37 (hg19) VCF-style: chr10-97388219-T-C.
Other names: c.833A>G, p.Asp278Gly (NM_001017423.2, NM_001323415.2); c.506A>G, p.Asp169Gly (NM_001323412.2, NM_001323416.2); c.839A>G, p.Asp280Gly (NM_001323413.2, NM_001323414.2); c.734A>G, p.Asp245Gly (NM_001323417.2); c.500A>G, p.Asp167Gly (NM_001323418.2); c.203A>G, p.Asp68Gly (NM_001323419.2); short protein forms D278G, D245G, D167G, D169G, D280G, D68G.
Identifiers: ClinVar variation 2929153 (VCV002929153.3), dbSNP rs981914821, ClinGen allele CA377704176.